The following is an entry in ClinVar:

ClinVar aggregate classification (germline): Uncertain significance (1 of 4 stars; one submission).

Allele frequency attached by ClinVar (database versions not stated): gnomAD 0.00001; TOPMed 0.00002; ExAC 0.00003; ESP Exome Variant Server 0.00008.
gnomAD v4.1: 7 of 1,614,036 alleles (0.00043%); highest among the groups gnomAD compares: Non-Finnish European, 0.00059%; no homozygotes.

Submission:

Ambry Genetics
Classification: Uncertain significance. Last evaluated: 2023-08-13. Review status: criteria provided, single submitter. Criteria: Ambry Variant Classification Scheme 2023. Collection method: clinical testing. Allele origin: germline.
Comment: The p.K877Q variant (also known as c.2629A>C), located in coding exon 17 of the CTNNA3 gene, results from an A to C substitution at nucleotide position 2629. The lysine at codon 877 is replaced by glutamine, an amino acid with similar properties. This amino acid position is conserved. In addition, this alteration is predicted to be tolerated by in silico analysis. Since supporting evidence is limited at this time, the clinical significance of this alteration remains unclear.

NM_013266.4(CTNNA3):c.2629A>C (p.Lys877Gln)

Gene: CTNNA3 (catenin alpha 3; minus strand). Cytogenetic location: 10q21.3.
Variant type: single nucleotide variant.
Coding change: c.2629A>C on transcript NM_013266.4 (MANE Select); coding-DNA position 2629, A replaced by C.
Protein change: p.Lys877Gln; replaces lysine 877 with glutamine.
Molecular consequence: missense variant.
Genome position (GRCh38, 1-based): chr10:65,920,389, T>G on the plus strand (A>C on the coding strand, the complement: CTNNA3 is on the minus strand). VCF-style: chr10-65920389-T-G. GRCh37 (hg19) VCF-style: chr10-67680147-T-G.
Other names: c.2629A>C, p.Lys877Gln (NM_001127384.3); short protein forms K877Q.
Identifiers: ClinVar variation 2624632 (VCV002624632.2), dbSNP rs374368635, ClinGen allele CA5519534.
Genomic context (GRCh38, chr10:65,920,389, plus strand): 5'-TTCAGTAGATTTGTCTTCCTCTAAATTCACTCATGACTTGCAATGGATGGATTTTTTTCT[T>G]TGCTGAGCCTCGTCTGACAGCTGCACACGTTTCCTCTGGCTTCTCTCTTTTAATCAAGGG-3'
Protein context (NP_037398.2, residues 867-887): TCAAVRRGSA[Lys877Gln]KKIHPLQVMS